The following is an entry in ClinVar:

ClinVar aggregate classification (germline): Uncertain significance (1 of 4 stars; one submission).

Conditions:
Generalized epilepsy-paroxysmal dyskinesia syndrome (PNKD3). Also called: Paroxysmal nonkinesigenic dyskinesia, 3, with or without generalized epilepsy; Generalized epilepsy and paroxysmal dyskinesia. Identifiers: Orphanet 79137, MedGen C5574945, MONDO:0012276, OMIM 609446.

Submission:

Labcorp Genetics (formerly Invitae), Labcorp
Classification: Uncertain significance for Generalized epilepsy-paroxysmal dyskinesia syndrome. Last evaluated: 2025-12-22. Review status: criteria provided, single submitter. Criteria: Invitae Variant Classification Sherloc (09022015). Collection method: clinical testing. Allele origin: germline.
Comment: This variant, c.34_36del, results in the deletion of 1 amino acid(s) of the KCNMA1 protein (p.Ser12del), but otherwise preserves the integrity of the reading frame. The frequency data for this variant in the population databases is considered unreliable, as metrics indicate poor data quality at this position in the gnomAD database. This variant has not been reported in the literature in individuals affected with KCNMA1-related conditions. Experimental studies and prediction algorithms are not available or were not evaluated, and the functional significance of this variant is currently unknown. In summary, the available evidence is currently insufficient to determine the role of this variant in disease. Therefore, it has been classified as a Variant of Uncertain Significance.

NM_001161352.2(KCNMA1):c.31AGC[1] (p.Ser12del)

Gene: KCNMA1 (potassium calcium-activated channel subfamily M alpha 1; minus strand). Cytogenetic location: 10q22.3.
Variant type: Microsatellite.
Coding change: c.31AGC[1] on transcript NM_001161352.2 (MANE Select); one copy of the 3-base unit AGC starting at c.31; the reference has two copies in a row; one copy, 3 bases deleted.
Protein change: p.Ser12del; deletes serine 12.
Molecular consequence: inframe deletion.
Genome position (GRCh38, 1-based): chr10:77,637,607-77,637,609, GCT deleted on the plus strand (AGC on the coding strand, the reverse complement: KCNMA1 is on the minus strand); deleting any 3 consecutive bases within chr10:77,637,607-77,637,614 gives the same sequence; the position shown is the placement nearest the transcript's 3' end. VCF-style (leftmost placement, unchanged base first): chr10-77637606-CGCT-C. GRCh37 (hg19) VCF-style: chr10-79397364-CGCT-C.
Other names: c.31AGC[1], p.Ser12del (NM_001322830.2, NM_001322832.2, NM_001322835.2 and 12 more transcripts); short protein forms S12del.
Identifiers: ClinVar variation 300973 (VCV000300973.11), dbSNP rs757636988, ClinGen allele CA5568822.